The following is an entry in ClinVar:

NM_000540.3(RYR1):c.8638G>A (p.Glu2880Lys)

Gene: RYR1 (ryanodine receptor 1; plus strand). Cytogenetic location: 19q13.2.
Variant type: single nucleotide variant.
Coding change: c.8638G>A on transcript NM_000540.3 (MANE Select); coding-DNA position 8638, G replaced by A.
Protein change: p.Glu2880Lys; replaces glutamic acid 2880 with lysine.
Molecular consequence: missense variant.
Genome position (GRCh38, 1-based): chr19:38,506,492, G>A. VCF-style: chr19-38506492-G-A. GRCh37 (hg19) VCF-style: chr19-38997132-G-A.
Other names: NM_000540.2(RYR1):c.8638G>A; c.8638G>A, p.Glu2880Lys (NM_001042723.2); short protein forms E2880K.
Identifiers: ClinVar variation 133232 (VCV000133232.14), dbSNP rs112772310, ClinGen allele CA024939.

ClinVar aggregate classification (germline): Uncertain significance. Review status: reviewed by expert panel (3 of 4 stars). 7 submissions from 7 submitters: Uncertain significance (1). 6 of the submissions do not count toward it. Last evaluated 2025-08-01.

Conditions:
RYR1-related disorder. Also called: RYR1-related disorders; RYR1-related condition. Identifiers: MedGen CN239331.
Malignant hyperthermia of anesthesia. Also called: Anesthesic-triggered malignant hyperthermia. Identifiers: Orphanet 423, MedGen C0024591, MONDO:0018493, HP:0034733.
Malignant hyperthermia, susceptibility to, 1 (MHS1). Also called: RYR1-Related Malignant Hyperthermia Susceptibility; Malignant hyperthermia suceptibility 1; Anesthesia related hyperthermia; Malignant hyperpyrexia; Fulminating hyperpyrexia; Pharmacogenic myopathy. Identifiers: Orphanet 423, MedGen C2930980, MONDO:0007783, OMIM 145600.

Allele frequency attached by ClinVar (database versions not stated): gnomAD exomes below 0.00001; TOPMed below 0.00001; gnomAD 0.00001.
gnomAD v4.1: 7 of 1,613,980 alleles (0.00043%); highest among the groups gnomAD compares: Middle Eastern, 0.016%; no homozygotes.

Submissions (7):

ClinGen Malignant Hyperthermia Susceptibility Variant Curation Expert Panel, ClinGen
Classification: Uncertain significance for Malignant hyperthermia of anesthesia. Last evaluated: 2025-08-01. Review status: reviewed by expert panel. Criteria: ClinGen MHS ACMG Specifications V2. Collection method: curation. Allele origin: germline. Inheritance: Autosomal dominant inheritance.
Comment: This pathogenicity assessment is relevant only for malignant hyperthermia susceptibility (MHS) inherited in an autosomal dominant pattern. Variants in RYR1 can also cause other myopathies inherited in an autosomal dominant pattern or in an autosomal recessive pattern. Some of these disorders may predispose individuals to malignant hyperthermia. RYR1 variants may also contribute to a malignant hyperthermia reaction in combination with other genetic and non-genetic factors and the clinician needs to consider such factors in making management decisions. This sequence variant predicts a substitution of glutamic acid with lysine at codon 2880 of the RYR1 protein, p.(Glu2880Lys). The maximum allele frequency for this variant among the six major gnomAD populations is NFE: 0.000009, a frequency consistent with pathogenicity for MHS. This variant has been reported in two unrelated individuals who have a personal or family history of a malignant hyperthermia reaction, both of these individuals had a positive in vitro contracture test (IVCT) or caffeine halothane contracture test (CHCT) result (if the proband was unavailable for testing, a positive diagnostic test result in a mutation-positive relative was counted), however, one of these individuals had a second variant of uncertain significance in RYR1 (p.Glu3290Lys) and was not counted toward PS4, PS4_Supporting was implemented (PMID:19191329). No functional studies were identified for this variant. This variant does not reside in a hotspot for pathogenic variants that contribute to MHS. A REVEL score >0.85 (0.901) supports a pathogenic status for this variant, PP3_Moderate. This variant has been classified as a Variant of Unknown Significance. Criteria implemented: PS4_Supporting, PP3_Moderate.

Labcorp Genetics (formerly Invitae), Labcorp
Classification: Likely pathogenic for RYR1-related disorder. Last evaluated: 2025-12-22. Review status: criteria provided, single submitter. Criteria: Invitae Variant Classification Sherloc (09022015). Collection method: clinical testing. Allele origin: germline. Not counted in ClinVar's aggregate classification.
Comment: This sequence change replaces glutamic acid, which is acidic and polar, with lysine, which is basic and polar, at codon 2880 of the RYR1 protein (p.Glu2880Lys). This variant is present in population databases (rs112772310, gnomAD 0.0009%). This missense change has been observed in individuals with malignant hyperthermia (PMID: 16917943, 19191329, 37996280). ClinVar contains an entry for this variant (Variation ID: 133232). Invitae Evidence Modeling of protein sequence and biophysical properties (such as structural, functional, and spatial information, amino acid conservation, physicochemical variation, residue mobility, and thermodynamic stability) indicates that this missense variant is expected to disrupt RYR1 protein function with a positive predictive value of 80%. Experimental studies are conflicting or provide insufficient evidence to determine the effect of this variant on RYR1 function (PMID: 37996280). In summary, the currently available evidence indicates that the variant is pathogenic, but additional data are needed to prove that conclusively. Therefore, this variant has been classified as Likely Pathogenic.

All of Us Research Program, National Institutes of Health
Classification: Uncertain significance for Malignant hyperthermia, susceptibility to, 1. Last evaluated: 2024-06-09. Review status: criteria provided, single submitter. Criteria: ACMG Guidelines, 2015. Collection method: clinical testing. Allele origin: germline. Inheritance: Autosomal dominant inheritance. Observed: 1 variant allele, 1 heterozygote. Not counted in ClinVar's aggregate classification.
Comment: This missense variant replaces glutamic acid with lysine at codon 2880 of the RYR1 protein. Computational prediction suggests that this variant may have deleterious impact on protein structure and function. A functional study using carrier-derived myotubes showed that this variant increases sensitivity to 4-CMC and KCl compared to wild-type RYR1 myotubes (PMID: 37996280). This variant has been reported in four families affected with malignant hyperthermia susceptibility (PMID: 16917943, 19191329, 37996280) and at least two individuals with a personal history of a malignant hyperthermia event (PMID: 37996280). This variant has been identified in 1/251146 chromosomes in the general population by the Genome Aggregation Database (gnomAD). The available evidence is insufficient to determine the role of this variant in disease conclusively. Therefore, this variant is classified as a Variant of Uncertain Significance.

This study involves interpretation of variants in research participants for the purpose of population health screening. Participant phenotype was not available at the time of variant classification. Additional details can be found in publication PMID: 35346344, PMCID: PMC8962531

Color Diagnostics, LLC DBA Color Health
Classification: Uncertain significance for Malignant hyperthermia, susceptibility to, 1. Last evaluated: 2024-05-29. Review status: criteria provided, single submitter. Criteria: ACMG Guidelines, 2015. Collection method: clinical testing. Allele origin: germline. Not counted in ClinVar's aggregate classification.
Comment: This missense variant replaces glutamic acid with lysine at codon 2880 of the RYR1 protein. Computational prediction suggests that this variant may have deleterious impact on protein structure and function. A functional study using carrier-derived myotubes showed that this variant increases sensitivity to 4-CMC and KCl compared to wild-type RYR1 myotubes (PMID: 37996280). This variant has been reported in four families affected with malignant hyperthermia susceptibility (PMID: 16917943, 19191329, 37996280) and at least two individuals with a personal history of a malignant hyperthermia event (PMID: 37996280). This variant has been identified in 1/251146 chromosomes in the general population by the Genome Aggregation Database (gnomAD). The available evidence is insufficient to determine the role of this variant in disease conclusively. Therefore, this variant is classified as a Variant of Uncertain Significance.

Women's Health and Genetics/Laboratory Corporation of America, LabCorp
Classification: Uncertain significance. Last evaluated: 2024-01-22. Review status: criteria provided, single submitter. Criteria: LabCorp Variant Classification Summary - May 2015. Collection method: clinical testing. Allele origin: germline. Not counted in ClinVar's aggregate classification.
Comment: Variant summary: RYR1 c.8638G>A (p.Glu2880Lys) results in a conservative amino acid change located in the Ryanodine receptor Ryr domain (IPR003032) of the encoded protein sequence. Three of five in-silico tools predict a damaging effect of the variant on protein function. The variant allele was found at a frequency of 4e-06 in 251146 control chromosomes (gnomAD). The available data on variant occurrences in the general population are insufficient to allow any conclusion about variant significance. c.8638G>A has been reported in the literature in individuals affected with Malignant Hyperthermia Susceptibility without strong evidence of causality (Robinson_2006, Levano_2009). These reports do not provide unequivocal conclusions about association of the variant with Malignant Hyperthermia Susceptibility. To our knowledge, no experimental evidence demonstrating an impact on protein function has been reported. The following publications have been ascertained in the context of this evaluation (PMID: 16917943, 19191329). ClinVar contains an entry for this variant (Variation ID: 133232). Based on the evidence outlined above, the variant was classified as uncertain significance.

Laboratory for Molecular Medicine, Mass General Brigham Personalized Medicine
Classification: Likely pathogenic for Malignant hyperthermia of anesthesia. Last evaluated: 2016-07-20. Review status: criteria provided, single submitter. Criteria: ACMG Guidelines, 2015. Collection method: clinical testing. Allele origin: germline. Inheritance: Autosomal dominant inheritance. Not counted in ClinVar's aggregate classification.
Comment: The p.Glu2880Lys variant in RYR1 has been reported in 2 Swiss individuals with malignant hyperthermia, and segregated with disease in 2 affected relatives from 1 family (Levano 2009). It was absent from large population studies. Computational prediction tools and conservation analysis suggest that the p.Glu2880Lys variant may impact the protein, though this information is not predictive enough to determine pathogenicity. In summary, while there is some suspicion for a pathogenic role, the clinical significance of the p.Glu2880Lys variant is uncertain.

RYR1 database
No classification provided. Review status: no classification provided. Collection method: not provided. Allele origin: unknown. Not counted in ClinVar's aggregate classification.

Literature cited by the submitters: PubMed 16917943 (cited by 5 submitters); PubMed 19191329 (cited by 5 submitters); PubMed 37996280 (cited by 3 submitters).